The following is an entry in ClinVar:

NM_006642.5(SDCCAG8):c.740+357G>A

Gene: SDCCAG8 (SHH signaling and ciliogenesis regulator SDCCAG8; plus strand). Cytogenetic location: 1q43.
Variant type: single nucleotide variant.
Coding change: c.740+357G>A on transcript NM_006642.5 (MANE Select); 357 bases into the intron after coding-DNA position 740, G replaced by A.
Molecular consequence: intron variant. On other transcripts: 5 prime UTR variant (1).
Genome position (GRCh38, 1-based): chr1:243,305,134, G>A. VCF-style: chr1-243305134-G-A. GRCh37 (hg19) VCF-style: chr1-243468436-G-A.
Other names: c.-415G>A (NM_001350251.2); c.446+357G>A (NM_001350249.2); c.836+357G>A (NM_001350248.2); c.-261+11G>A (NM_001350246.2); c.-261+357G>A (NM_001350247.2).
Identifiers: ClinVar variation 4977479 (VCV004977479.1).

ClinVar aggregate classification (germline): Likely benign (1 of 4 stars; one submission).

Conditions:
SDCCAG8-related disorder. Also called: SDCCAG8-Related Disorders; SDCCAG8-related condition.

Submission:

PreventionGenetics, part of Exact Sciences
Classification: Likely benign for SDCCAG8-related condition. Last evaluated: 2025-03-12. Review status: criteria provided, single submitter. Criteria: ACMG Guidelines, 2015. Collection method: clinical testing. Allele origin: germline.
Comment: This variant is classified as likely benign based on ACMG/AMP sequence variant interpretation guidelines (Richards et al. 2015 PMID: 25741868, with internal and published modifications).